The following is an entry in ClinVar:

ClinVar aggregate classification (germline): Uncertain significance (1 of 4 stars; one submission).

Allele frequency attached by ClinVar (database versions not stated): TOPMed below 0.00001; gnomAD exomes 0.00001.
gnomAD v4.1: 4 of 1,614,052 alleles (0.00025%); highest among the groups gnomAD compares: Admixed American, 0.0067%; no homozygotes.

Submission:

Labcorp Genetics (formerly Invitae), Labcorp
Classification: Uncertain significance. Last evaluated: 2022-06-01. Review status: criteria provided, single submitter. Criteria: Invitae Variant Classification Sherloc (09022015). Collection method: clinical testing. Allele origin: germline.
Comment: This sequence change affects codon 863 of the ABCC6 mRNA. It is a 'silent' change, meaning that it does not change the encoded amino acid sequence of the ABCC6 protein. It affects a nucleotide within the consensus splice site. This variant is present in population databases (no rsID available, gnomAD 0.009%). This variant has not been reported in the literature in individuals affected with ABCC6-related conditions. Algorithms developed to predict the effect of sequence changes on RNA splicing suggest that this variant may disrupt the consensus splice site. In summary, the available evidence is currently insufficient to determine the role of this variant in disease. Therefore, it has been classified as a Variant of Uncertain Significance.

NM_001171.6(ABCC6):c.2589A>G (p.Gly863=)

Gene: ABCC6 (ATP binding cassette subfamily C member 6; minus strand). Cytogenetic location: 16p13.11.
Variant type: single nucleotide variant.
Coding change: c.2589A>G on transcript NM_001171.6 (MANE Select); coding-DNA position 2589, A replaced by G.
Protein change: p.Gly863=; no amino-acid change (glycine 863 retained).
Molecular consequence: synonymous variant.
Genome position (GRCh38, 1-based): chr16:16,177,453, T>C on the plus strand (A>G on the coding strand, the complement: ABCC6 is on the minus strand). VCF-style: chr16-16177453-T-C. GRCh37 (hg19) VCF-style: chr16-16271310-T-C.
Other names: c.2247A>G, p.Gly749= (NM_001351800.1).
Identifiers: ClinVar variation 1968707 (VCV001968707.2), dbSNP rs1462346763, ClinGen allele CA493799755.